The following is an entry in ClinVar:

ClinVar aggregate classification (germline): Likely pathogenic (0 of 4 stars; one submission).

Conditions:
IFT172-related disorder. Also called: IFT172-related condition; IFT172-related disorders.

Submission:

PreventionGenetics, part of Exact Sciences
Classification: Likely pathogenic for IFT172-related condition. Last evaluated: 2024-03-31. Review status: no assertion criteria provided. Collection method: clinical testing. Allele origin: germline.
Comment: The IFT172 c.4021dupC variant is predicted to result in a frameshift and premature protein termination (p.Gln1341Profs*32). This variant documented in a study analyzing the carrier frequency of variants related to autosomal recessive retinal diseases (Table S3, Hanany et al. 2020. PubMed ID: 31964843). This variant is reported in 0.0062% of alleles in individuals of African descent in gnomAD. Frameshift variants in IFT172 are expected to be pathogenic. This variant is interpreted as likely pathogenic.

NM_015662.3(IFT172):c.4021dup (p.Gln1341fs)

Gene: IFT172 (intraflagellar transport 172; minus strand). Cytogenetic location: 2p23.3.
Variant type: Duplication.
Coding change: c.4021dup on transcript NM_015662.3 (MANE Select); coding-DNA position 4021, one base duplicated (C; older notation c.4021dupC).
Protein change: p.Gln1341fs; shifts the reading frame from glutamine 1341.
Molecular consequence: frameshift variant.
Genome position (GRCh38, 1-based): chr2:27,450,027, G duplicated on the plus strand (C on the coding strand, the reverse complement: IFT172 is on the minus strand); the first of 4 consecutive G bases (chr2:27,450,027-27,450,030); duplicating any one gives the same sequence. VCF-style (leftmost placement, unchanged base first): chr2-27450026-T-TG. GRCh37 (hg19) VCF-style: chr2-27672893-T-TG.
Other names: c.3955dup, p.Gln1319fs (NM_001410739.1); short protein forms Q1319fs, Q1341fs.
Identifiers: ClinVar variation 3344293 (VCV003344293.1).